The following is an entry in ClinVar:

NM_198525.3(KIF7):c.350_353dup (p.Ile119fs)

Gene: KIF7 (kinesin family member 7; minus strand). Cytogenetic location: 15q26.1.
Variant type: Duplication.
Coding change: c.350_353dup on transcript NM_198525.3 (MANE Select); coding-DNA positions 350 to 353, 4 bases duplicated (AGGG; older notation c.350_353dupAGGG).
Protein change: p.Ile119fs; shifts the reading frame from isoleucine 119.
Molecular consequence: frameshift variant.
Genome position (GRCh38, 1-based): chr15:89,649,917-89,649,920, CCCT duplicated on the plus strand (AGGG on the coding strand, the reverse complement: KIF7 is on the minus strand). VCF-style (leftmost placement, unchanged base first): chr15-89649916-G-GCCCT. GRCh37 (hg19) VCF-style: chr15-90193147-G-GCCCT.
Other names: short protein forms I119fs.
Identifiers: ClinVar variation 3023369 (VCV003023369.4), dbSNP rs1379956683, ClinGen allele CA619858593.

ClinVar aggregate classification (germline): Pathogenic/Likely pathogenic. Review status: criteria provided, multiple submitters, no conflicts (2 of 4 stars). 2 submissions from 2 submitters: Pathogenic (1); Likely pathogenic (1). Last evaluated 2024-02-07.

Conditions:
Multiple epiphyseal dysplasia, Al-Gazali type. Also called: Macrocephaly with multiple epiphyseal dysplasia and distinctive facies. Identifiers: Orphanet 166024, MedGen C1846722, MONDO:0011778, OMIM 607131.
Hydrolethalus syndrome 2 (HLS2). Identifiers: Orphanet 2189, MedGen C3279899, MONDO:0013585, OMIM 614120.
Acrocallosal syndrome (ACLS). Also called: HALLUX DUPLICATION, POSTAXIAL POLYDACTYLY, AND ABSENCE OF CORPUS CALLOSUM; Schinzel syndrome 1; Absence of corpus callosum with unusual facial appearance, mental deficiency, duplication of the halluces and polydactyly. Identifiers: Orphanet 36, MedGen C0796147, MONDO:0008708, OMIM 200990.

Allele frequency attached by ClinVar (database versions not stated): gnomAD exomes below 0.00001; TOPMed below 0.00001; gnomAD 0.00001.

Submissions (2):

Fulgent Genetics
Classification: Likely pathogenic for Acrocallosal syndrome; Multiple epiphyseal dysplasia, Al-Gazali type; Hydrolethalus syndrome 2. Last evaluated: 2024-02-07. Review status: criteria provided, single submitter. Criteria: ACMG Guidelines, 2015. Collection method: clinical testing. Allele origin: germline.

Labcorp Genetics (formerly Invitae), Labcorp
Classification: Pathogenic for Acrocallosal syndrome. Last evaluated: 2023-02-17. Review status: criteria provided, single submitter. Criteria: Invitae Variant Classification Sherloc (09022015). Collection method: clinical testing. Allele origin: germline.
Comment: For these reasons, this variant has been classified as Pathogenic. This variant has not been reported in the literature in individuals affected with KIF7-related conditions. This sequence change creates a premature translational stop signal (p.Ile119Glyfs*16) in the KIF7 gene. It is expected to result in an absent or disrupted protein product. Loss-of-function variants in KIF7 are known to be pathogenic (PMID: 19666503, 21552264, 21633164, 26648833). This variant is present in population databases (no rsID available, gnomAD 0.01%).

Literature cited by the submitters: PubMed 19666503 (cited by Labcorp Genetics (formerly Invitae), Labcorp); PubMed 21552264 (cited by Labcorp Genetics (formerly Invitae), Labcorp); PubMed 21633164 (cited by Labcorp Genetics (formerly Invitae), Labcorp); PubMed 26648833 (cited by Labcorp Genetics (formerly Invitae), Labcorp).